The following is an entry in ClinVar:

ClinVar aggregate classification (germline): Likely pathogenic (1 of 4 stars; one submission).

Submission:

Labcorp Genetics (formerly Invitae), Labcorp
Classification: Likely pathogenic. Last evaluated: 2022-06-14. Review status: criteria provided, single submitter. Criteria: Invitae Variant Classification Sherloc (09022015). Collection method: clinical testing. Allele origin: germline.
Comment: This variant results in the deletion of exons 28-35 and part of exon 27 (c.3530_5161-21del) of the MYH3 gene. It is expected to disrupt RNA splicing. Variants that disrupt the donor or acceptor splice site typically lead to a loss of protein function (PMID: 16199547), and loss-of-function variants in MYH3 are known to be pathogenic (PMID: 29805041, 30008475). This variant has not been reported in the literature in individuals affected with MYH3-related conditions. In summary, the currently available evidence indicates that the variant is pathogenic, but additional data are needed to prove that conclusively. Therefore, this variant has been classified as Likely Pathogenic.

Literature cited by the submitters: PubMed 16199547; PubMed 29805041; PubMed 30008475.

NC_000017.10:g.(?_10535074)_(10541559_?)del

Gene: MYH3 (myosin heavy chain 3; minus strand). Cytogenetic location: 17p13.1.
Variant type: Deletion.
Identifiers: ClinVar variation 2424457 (VCV002424457.4).